The following is an entry in ClinVar:

NM_002474.3(MYH11):c.2731G>A (p.Val911Met)

Gene: MYH11 (myosin heavy chain 11; minus strand). Cytogenetic location: 16p13.11.
Variant type: single nucleotide variant.
Coding change: c.2731G>A on transcript NM_002474.3 (MANE Select); coding-DNA position 2731, G replaced by A.
Protein change: p.Val911Met; replaces valine 911 with methionine.
Molecular consequence: missense variant.
Genome position (GRCh38, 1-based): chr16:15,741,591, C>T on the plus strand (G>A on the coding strand, the complement: MYH11 is on the minus strand). VCF-style: chr16-15741591-C-T. GRCh37 (hg19) VCF-style: chr16-15835448-C-T.
Other names: c.2752G>A, p.Val918Met (NM_001040113.2, NM_001040114.2); c.2731G>A, p.Val911Met (NM_022844.3); short protein forms V911M, V918M.
Identifiers: ClinVar variation 2913098 (VCV002913098.3), dbSNP rs761426006, ClinGen allele CA7922182.

ClinVar aggregate classification (germline): Uncertain significance (1 of 4 stars; one submission).

Conditions:
Aortic aneurysm, familial thoracic 4 (AAT4). Also called: AORTIC ANEURYSM/AORTIC DISSECTION AND PATENT DUCTUS ARTERIOSUS. Identifiers: MedGen C1851504, MONDO:0007568, OMIM 132900.

Allele frequency attached by ClinVar (database versions not stated): TOPMed below 0.00001; ExAC 0.00001; gnomAD 0.00001.
gnomAD v4.1: 13 of 1,612,634 alleles (0.00081%); highest among the groups gnomAD compares: Non-Finnish European, 0.0011%; no homozygotes.

Submission:

Labcorp Genetics (formerly Invitae), Labcorp
Classification: Uncertain significance for Aortic aneurysm, familial thoracic 4. Last evaluated: 2023-08-28. Review status: criteria provided, single submitter. Criteria: Invitae Variant Classification Sherloc (09022015). Collection method: clinical testing. Allele origin: germline.
Comment: This sequence change replaces valine, which is neutral and non-polar, with methionine, which is neutral and non-polar, at codon 918 of the MYH11 protein (p.Val918Met). The frequency data for this variant in the population databases is considered unreliable, as metrics indicate poor data quality at this position in the gnomAD database. This variant has not been reported in the literature in individuals affected with MYH11-related conditions. Advanced modeling of protein sequence and biophysical properties (such as structural, functional, and spatial information, amino acid conservation, physicochemical variation, residue mobility, and thermodynamic stability) performed at Invitae indicates that this missense variant is not expected to disrupt MYH11 protein function. In summary, the available evidence is currently insufficient to determine the role of this variant in disease. Therefore, it has been classified as a Variant of Uncertain Significance.